The following is an entry in ClinVar:

NM_006030.4(CACNA2D2):c.979G>A (p.Val327Met)

Gene: CACNA2D2 (calcium voltage-gated channel auxiliary subunit alpha2delta 2; minus strand). Cytogenetic location: 3p21.31.
Variant type: single nucleotide variant.
Coding change: c.979G>A on transcript NM_006030.4 (MANE Select); coding-DNA position 979, G replaced by A.
Protein change: p.Val327Met; replaces valine 327 with methionine.
Molecular consequence: missense variant.
Genome position (GRCh38, 1-based): chr3:50,379,739, C>T on the plus strand (G>A on the coding strand, the complement: CACNA2D2 is on the minus strand). VCF-style: chr3-50379739-C-T. GRCh37 (hg19) VCF-style: chr3-50417170-C-T.
Other names: c.979G>A, p.Val327Met (NM_001005505.3, NM_001174051.3); c.772G>A, p.Val258Met (NM_001291101.1); short protein forms V258M, V327M.
Identifiers: ClinVar variation 1007811 (VCV001007811.6), dbSNP rs1705203478, ClinGen allele CA352937692.

ClinVar aggregate classification (germline): Uncertain significance (1 of 4 stars; one submission).

Conditions:
Early-infantile DEE. Also called: Ohtahara syndrome; Early infantile epileptic encephalopathy with suppression bursts; Early infantile epileptic encephalopathy. Identifiers: Orphanet 1934, MedGen C0393706, MONDO:0800491.

Submission:

Labcorp Genetics (formerly Invitae), Labcorp
Classification: Uncertain significance for Early-infantile DEE. Last evaluated: 2023-02-06. Review status: criteria provided, single submitter. Criteria: Invitae Variant Classification Sherloc (09022015). Collection method: clinical testing. Allele origin: germline.
Comment: This sequence change replaces valine, which is neutral and non-polar, with methionine, which is neutral and non-polar, at codon 327 of the CACNA2D2 protein (p.Val327Met). This variant has not been reported in the literature in individuals affected with CACNA2D2-related conditions. ClinVar contains an entry for this variant (Variation ID: 1007811). Algorithms developed to predict the effect of missense changes on protein structure and function are either unavailable or do not agree on the potential impact of this missense change (SIFT: "Deleterious"; PolyPhen-2: "Probably Damaging"; Align-GVGD: "Class C0"). In summary, the available evidence is currently insufficient to determine the role of this variant in disease. Therefore, it has been classified as a Variant of Uncertain Significance. This variant is not present in population databases (gnomAD no frequency).